The following is an entry in ClinVar:

ClinVar aggregate classification (germline): Pathogenic (1 of 4 stars; one submission).

Submission:

CeGaT Center for Human Genetics Tuebingen
Classification: Pathogenic. Last evaluated: 2025-05-01. Review status: criteria provided, single submitter. Criteria: CeGaT Center For Human Genetics Tuebingen Variant Classification Criteria Version 2. Collection method: clinical testing. Allele origin: germline. Affected: yes. Observed: 1 variant allele.
Comment: TNFAIP3: PVS1, PM2

NM_001270508.2(TNFAIP3):c.1072G>T (p.Glu358Ter)

Gene: TNFAIP3 (TNF alpha induced protein 3; plus strand). Cytogenetic location: 6q23.3.
Variant type: single nucleotide variant.
Coding change: c.1072G>T on transcript NM_001270508.2 (MANE Select); coding-DNA position 1072, G replaced by T.
Protein change: p.Glu358Ter; replaces glutamic acid 358 with a stop codon.
Molecular consequence: nonsense.
Genome position (GRCh38, 1-based): chr6:137,878,517, G>T. VCF-style: chr6-137878517-G-T. GRCh37 (hg19) VCF-style: chr6-138199654-G-T.
Other names: c.1072G>T, p.Glu358Ter (NM_001270507.2, NM_006290.4); short protein forms E358*.
Identifiers: ClinVar variation 3905861 (VCV003905861.10).
Genomic context (GRCh38, chr6:137,878,517, plus strand): 5'-GAAATCAATCTGGTAGATGATTACTTTGAACTTGTTCAGCATGAGTACAAGAAATGGCAG[G>T]AAAACAGCGAGCAGGGGAGGAGAGAGGGGCACGCCCAGAATCCCATGGAACCTTCCGTGC-3'